The following is an entry in ClinVar:

ClinVar aggregate classification (germline): Uncertain significance. Review status: criteria provided, multiple submitters, no conflicts (2 of 4 stars). 2 submissions from 2 submitters: Uncertain significance (2). Last evaluated 2025-07-07.

Conditions:
Hereditary cancer-predisposing syndrome. Also called: Neoplastic Syndromes, Hereditary; Tumor predisposition; Hereditary neoplastic syndrome; Hereditary Cancer Syndrome. Identifiers: Orphanet 140162, MedGen C0027672, MeSH D009386, MONDO:0015356.

gnomAD v4.1: 1 of 1,606,488 alleles (0.000062%); highest among the groups gnomAD compares: Non-Finnish European, 0.000085%; no homozygotes.

Submissions (2):

Labcorp Genetics (formerly Invitae), Labcorp
Classification: Uncertain significance. Last evaluated: 2025-07-07. Review status: criteria provided, single submitter. Criteria: Invitae Variant Classification Sherloc (09022015). Collection method: clinical testing. Allele origin: germline.
Comment: This sequence change replaces glycine, which is neutral and non-polar, with aspartic acid, which is acidic and polar, at codon 23 of the SMARCB1 protein (p.Gly23Asp). This variant is not present in population databases (gnomAD no frequency). This variant has not been reported in the literature in individuals affected with SMARCB1-related conditions. ClinVar contains an entry for this variant (Variation ID: 826695). An algorithm developed to predict the effect of missense changes on protein structure and function (PolyPhen-2) suggests that this variant is likely to be tolerated. In summary, the available evidence is currently insufficient to determine the role of this variant in disease. Therefore, it has been classified as a Variant of Uncertain Significance.

Ambry Genetics
Classification: Uncertain significance for Hereditary cancer-predisposing syndrome. Last evaluated: 2025-04-10. Review status: criteria provided, single submitter. Criteria: Ambry Variant Classification Scheme 2023. Collection method: clinical testing. Allele origin: germline.
Comment: The p.G23D variant (also known as c.68G>A), located in coding exon 1 of the SMARCB1 gene, results from a G to A substitution at nucleotide position 68. The glycine at codon 23 is replaced by aspartic acid, an amino acid with similar properties. This amino acid position is highly conserved in available vertebrate species. In addition, this alteration is predicted to be deleterious by in silico analysis. This variant was detected as heterozygous in individual(s) with no reported features of Coffin-Siris syndrome (Ambry internal data). Based on the supporting evidence, the association of this alteration with SMARCB1-related tumor predisposition syndrome is unknown; however, the association of this alteration with Coffin-Siris syndrome is unlikely.

Literature cited by the submitters: PubMed 29641532 (cited by Ambry Genetics).

NM_003073.5(SMARCB1):c.68G>A (p.Gly23Asp)

Gene: SMARCB1 (SWI/SNF related BAF chromatin remodeling complex subunit B1; plus strand). Cytogenetic location: 22q11.23.
Variant type: single nucleotide variant.
Coding change: c.68G>A on transcript NM_003073.5 (MANE Select); coding-DNA position 68, G replaced by A.
Protein change: p.Gly23Asp; replaces glycine 23 with aspartic acid.
Molecular consequence: missense variant.
Genome position (GRCh38, 1-based): chr22:23,787,237, G>A. VCF-style: chr22-23787237-G-A. GRCh37 (hg19) VCF-style: chr22-24129424-G-A.
Other names: c.68G>A, p.Gly23Asp (NM_001007468.3, NM_001317946.2, NM_001362877.2); short protein forms G23D.
Identifiers: ClinVar variation 826695 (VCV000826695.12), dbSNP rs1601382621, ClinGen allele CA410930846.